The following is an entry in ClinVar:

ClinVar aggregate classification (germline): Pathogenic. Review status: criteria provided, multiple submitters, no conflicts (2 of 4 stars). 6 submissions from 6 submitters: Pathogenic (6). Last evaluated 2026-09-03.

Conditions:
Hereditary cavernous hemangioma of brain. Also called: Famililal cerebral cavernous malformations. Identifiers: Orphanet 221061, MedGen C2931263, MONDO:0031037.
KRIT1-related disorder. Also called: KRIT1-related disorders; KRIT1-related condition.
Cerebral cavernous malformation (CCM). Also called: Cavernous Hemangioma of Brain; Cerebral cavernous malformations; CAVERNOUS ANGIOMA, FAMILIAL; CAVERNOUS ANGIOMATOUS MALFORMATIONS; CEREBRAL CAPILLARY MALFORMATIONS; Cerebral cavernous hemangioma (type). Identifiers: Orphanet 221061, MedGen C2919945, MONDO:0000820, OMIM 116860, HP:0033522.

Submissions (6):

Institute of Medical Genetics and Applied Genomics, University Hospital Tübingen
Classification: Pathogenic for Hereditary cavernous hemangioma of brain. Last evaluated: 2026-09-03. Review status: criteria provided, single submitter. Criteria: ACMG Guidelines, 2015. Collection method: clinical testing. Allele origin: germline. Inheritance: Autosomal dominant inheritance. Affected: yes.

Labcorp Genetics (formerly Invitae), Labcorp
Classification: Pathogenic for Cerebral cavernous malformation. Last evaluated: 2026-01-21. Review status: criteria provided, single submitter. Criteria: Invitae Variant Classification Sherloc (09022015). Collection method: clinical testing. Allele origin: germline.
Comment: This sequence change creates a premature translational stop signal (p.Arg90*) in the KRIT1 gene. It is expected to result in an absent or disrupted protein product. Loss-of-function variants in KRIT1 are known to be pathogenic (PMID: 10508515, 11222804, 12404106, 24689081). This variant is not present in population databases (gnomAD no frequency). This premature translational stop signal has been observed in individual(s) with clinical features of cerebral cavernous malformation (PMID: 12404106, 21029238, 23595507). ClinVar contains an entry for this variant (Variation ID: 590740). Algorithms developed to predict the effect of sequence changes on RNA splicing suggest that this variant may disrupt the consensus splice site. For these reasons, this variant has been classified as Pathogenic.

GeneDx
Classification: Pathogenic. Last evaluated: 2025-10-24. Review status: criteria provided, single submitter. Criteria: GeneDx Variant Classification Process June 2021. Collection method: clinical testing. Allele origin: germline. Affected: yes.
Comment: Nonsense variant predicted to result in protein truncation or nonsense mediated decay in a gene for which loss of function is a known mechanism of disease; Not observed at significant frequency in large population cohorts (gnomAD); This variant is associated with the following publications: (PMID: 25525159, 19834644, 29787619, 27561926, 12404106, 23595507, 21029238)

Blueprint Genetics
Classification: Pathogenic for KRIT1-related disorders. Last evaluated: 2024-11-13. Review status: criteria provided, single submitter. Criteria: ACMG Guidelines, 2015. Collection method: clinical testing. Allele origin: germline. Affected: yes. Observed: 1 variant allele.

Genetics and Molecular Pathology, SA Pathology
Classification: Pathogenic for Cerebral cavernous malformation. Last evaluated: 2022-03-25. Review status: criteria provided, single submitter. Criteria: ACMG Guidelines, 2015. Collection method: clinical testing. Allele origin: germline. Inheritance: Autosomal dominant inheritance. Affected: yes.

PreventionGenetics, part of Exact Sciences
Classification: Pathogenic. Last evaluated: 2017-06-01. Review status: criteria provided, single submitter. Criteria: ACMG Guidelines, 2015. Collection method: clinical testing. Allele origin: germline.

Literature cited by the submitters: PubMed 10508515 (cited by Labcorp Genetics (formerly Invitae), Labcorp); PubMed 11222804 (cited by Labcorp Genetics (formerly Invitae), Labcorp); PubMed 12404106 (cited by Labcorp Genetics (formerly Invitae), Labcorp); PubMed 24689081 (cited by Labcorp Genetics (formerly Invitae), Labcorp); PubMed 21029238 (cited by Labcorp Genetics (formerly Invitae), Labcorp); PubMed 23595507 (cited by Labcorp Genetics (formerly Invitae), Labcorp).

NM_194454.3(KRIT1):c.268C>T (p.Arg90Ter)

Gene: KRIT1 (KRIT1 ankyrin repeat containing; minus strand). Cytogenetic location: 7q21.2.
Variant type: single nucleotide variant.
Coding change: c.268C>T on transcript NM_194454.3 (MANE Select); coding-DNA position 268, C replaced by T.
Protein change: p.Arg90Ter; replaces arginine 90 with a stop codon.
Molecular consequence: nonsense. On other transcripts: 5 prime UTR variant (1).
Genome position (GRCh38, 1-based): chr7:92,237,754, G>A on the plus strand (C>T on the coding strand, the complement: KRIT1 is on the minus strand). VCF-style: chr7-92237754-G-A. GRCh37 (hg19) VCF-style: chr7-91867068-G-A.
Other names: c.268C>T, p.Arg90Ter (NM_001013406.2, NM_001350669.1, NM_001350670.1 and 29 more transcripts); c.-316C>T (NM_001350671.1); short protein forms R90*.
Identifiers: ClinVar variation 590740 (VCV000590740.16), dbSNP rs1563313372, ClinGen allele CA368164802.